The following is an entry in ClinVar:

ClinVar aggregate classification (germline): Likely pathogenic (1 of 4 stars; one submission).

Submission:

Labcorp Genetics (formerly Invitae), Labcorp
Classification: Likely pathogenic. Last evaluated: 2022-05-27. Review status: criteria provided, single submitter. Criteria: Invitae Variant Classification Sherloc (09022015). Collection method: clinical testing. Allele origin: germline.
Comment: This sequence change affects a donor splice site in intron 12 of the POLE gene. It is expected to disrupt RNA splicing. Variants that disrupt the donor or acceptor splice site typically lead to a loss of protein function (PMID: 16199547), and loss-of-function variants in POLE are known to be pathogenic (PMID: 23230001, 25948378, 30503519). This variant is not present in population databases (gnomAD no frequency). In summary, the currently available evidence indicates that the variant is pathogenic, but additional data are needed to prove that conclusively. Therefore, this variant has been classified as Likely Pathogenic. Algorithms developed to predict the effect of sequence changes on RNA splicing suggest that this variant may disrupt the consensus splice site. ClinVar contains an entry for this variant (Variation ID: 649702). This variant has not been reported in the literature in individuals affected with POLE-related conditions.

Literature cited by the submitters: PubMed 16199547; PubMed 23230001; PubMed 25948378; PubMed 30503519.

NM_006231.4(POLE):c.1226+2_1226+5del

Gene: POLE (DNA polymerase epsilon, catalytic subunit; minus strand). Cytogenetic location: 12q24.33.
Variant type: Deletion.
Coding change: c.1226+2_1226+5del on transcript NM_006231.4 (MANE Select); the canonical splice donor site of the intron after coding-DNA position 1226 through 5 bases into the intron after coding-DNA position 1226, 4 bases deleted (TAGG; older notation c.1226+2_1226+5delTAGG).
Molecular consequence: splice donor variant.
Genome position (GRCh38, 1-based): chr12:132,675,393-132,675,396, CCTA deleted on the plus strand (TAGG on the coding strand, the reverse complement: POLE is on the minus strand); deleting any 4 consecutive bases within chr12:132,675,393-132,675,399 gives the same sequence; the c. name uses the placement nearest the transcript's 3' end. VCF-style (leftmost placement, unchanged base first): chr12-132675392-CCCTA-C. GRCh37 (hg19) VCF-style: chr12-133251978-CCCTA-C.
Other names: c.1226+2_1226+5delTAGG (NM_006231.3).
Identifiers: ClinVar variation 649702 (VCV000649702.8), dbSNP rs1593076635, ClinGen allele CA915946759.